The following is an entry in ClinVar:

NM_199242.3(UNC13D):c.3052G>T (p.Ala1018Ser)

Gene: UNC13D (unc-13 homolog D; minus strand). Cytogenetic location: 17q25.1.
Variant type: single nucleotide variant.
Coding change: c.3052G>T on transcript NM_199242.3 (MANE Select); coding-DNA position 3052, G replaced by T.
Protein change: p.Ala1018Ser; replaces alanine 1018 with serine.
Molecular consequence: missense variant.
Genome position (GRCh38, 1-based): chr17:75,828,886, C>A on the plus strand (G>T on the coding strand, the complement: UNC13D is on the minus strand). VCF-style: chr17-75828886-C-A. GRCh37 (hg19) VCF-style: chr17-73824967-C-A.
Other names: short protein forms A1018S.
Identifiers: ClinVar variation 1021054 (VCV001021054.6), dbSNP rs553992292, ClinGen allele CA8772292.

ClinVar aggregate classification (germline): Uncertain significance (1 of 4 stars; one submission).

Conditions:
Familial hemophagocytic lymphohistiocytosis 3 (FHL3). Also called: UNC13D-Related Familial Hemophagocytic Lymphohistiocytosis (UNC13D-fHLH). Identifiers: Orphanet 540, MedGen C1837174, MONDO:0012146, OMIM 608898.

Allele frequency attached by ClinVar (database versions not stated): gnomAD 0.00001; gnomAD exomes 0.00002 and 0.00005; ExAC 0.00008; 1000 Genomes Project 30x 0.00047; 1000 Genomes Project 0.00060.
gnomAD v4.1: 32 of 1,604,240 alleles (0.002%); highest among the groups gnomAD compares: South Asian, 0.033%; no homozygotes.

Submission:

Labcorp Genetics (formerly Invitae), Labcorp
Classification: Uncertain significance for Familial hemophagocytic lymphohistiocytosis 3. Last evaluated: 2022-01-26. Review status: criteria provided, single submitter. Criteria: Invitae Variant Classification Sherloc (09022015). Collection method: clinical testing. Allele origin: germline.
Comment: This sequence change replaces alanine, which is neutral and non-polar, with serine, which is neutral and polar, at codon 1018 of the UNC13D protein (p.Ala1018Ser). This variant is present in population databases (rs553992292, gnomAD 0.03%). This variant has not been reported in the literature in individuals affected with UNC13D-related conditions. ClinVar contains an entry for this variant (Variation ID: 1021054). Algorithms developed to predict the effect of missense changes on protein structure and function are either unavailable or do not agree on the potential impact of this missense change (SIFT: "Not Available"; PolyPhen-2: "Probably Damaging"; Align-GVGD: "Not Available"). In summary, the available evidence is currently insufficient to determine the role of this variant in disease. Therefore, it has been classified as a Variant of Uncertain Significance.